The following is an entry in ClinVar:

NM_000434.4(NEU1):c.779T>A (p.Phe260Tyr)

Gene: NEU1 (neuraminidase 1; minus strand). Cytogenetic location: 6p21.33.
Variant type: single nucleotide variant.
Coding change: c.779T>A on transcript NM_000434.4 (MANE Select); coding-DNA position 779, T replaced by A.
Protein change: p.Phe260Tyr; replaces phenylalanine 260 with tyrosine.
Molecular consequence: missense variant.
Genome position (GRCh38, 1-based): chr6:31,860,458, A>T on the plus strand (T>A on the coding strand, the complement: NEU1 is on the minus strand). VCF-style: chr6-31860458-A-T. GRCh37 (hg19) VCF-style: chr6-31828235-A-T.
Other names: short protein forms F260Y.
Identifiers: ClinVar variation 2446 (VCV000002446.10), dbSNP rs104893977, ClinGen allele CA212558.

ClinVar aggregate classification (germline): Pathogenic/Likely pathogenic. Review status: criteria provided, multiple submitters, no conflicts (2 of 4 stars). 3 submissions from 3 submitters: Pathogenic (1); Likely pathogenic (1). 1 of the submissions does not count toward it. Last evaluated 2025-03-21.

Conditions:
Autosomal recessive NEU1-related disorders.
Sialidosis type 2. Also called: CHERRY RED SPOT--MYOCLONUS SYNDROME; NEURAMINIDASE DEFICIENCY; SIALIDASE DEFICIENCY; SIALIDOSIS, TYPE II; GLYCOPROTEIN NEURAMINIDASE DEFICIENCY; LIPOMUCOPOLYSACCHARIDOSIS. Identifiers: Orphanet 812, Orphanet 87876, MedGen C4282398, MONDO:0009738, OMIM 256550.

Allele frequency attached by ClinVar (database versions not stated): TOPMed 0.00001; gnomAD exomes 0.00002 and 0.00001; ExAC 0.00001; gnomAD 0.00001.
gnomAD v4.1: 25 of 1,613,832 alleles (0.0015%); highest among the groups gnomAD compares: Non-Finnish European, 0.0018%; no homozygotes.

Submissions (3):

Variantyx, Inc.
Classification: Likely pathogenic for Autosomal recessive NEU1-related disorders. Last evaluated: 2025-03-21. Review status: criteria provided, single submitter. Criteria: Variantyx Assertion Criteria 2022. Collection method: clinical testing. Allele origin: germline.
Comment: This is a nonsynonymous variant in the NEU1 gene (OMIM: 608272). Pathogenic variants in this gene have been associated with autosomal recessive NEU1-related disorders. This variant has been identified in the homozygous or compound heterozygous state in at least two individual(s) from the published literature (PMID: 9054950, 11063730) (PM3). Functional studies have shown that this variant alters NEU1 protein function (PMID: 11279074, 10767332) (PS3). Multiple computational algorithms predict a deleterious effect for this variant (REVEL score: 0.885) (PP3_Moderate). This variant has a 0.0018% maximum allele frequency in non-founder control populations (PM2_Supporting). Based on the current evidence, this variant is classified as likely pathogenic for autosomal recessive NEU1-related disorders.

Labcorp Genetics (formerly Invitae), Labcorp
Classification: Pathogenic. Last evaluated: 2023-01-29. Review status: criteria provided, single submitter. Criteria: Invitae Variant Classification Sherloc (09022015). Collection method: clinical testing. Allele origin: germline.
Comment: Advanced modeling of protein sequence and biophysical properties (such as structural, functional, and spatial information, amino acid conservation, physicochemical variation, residue mobility, and thermodynamic stability) has been performed at Invitae for this missense variant, however the output from this modeling did not meet the statistical confidence thresholds required to predict the impact of this variant on NEU1 protein function. ClinVar contains an entry for this variant (Variation ID: 2446). This variant is also known as 777T>A. Experimental studies have shown that this missense change affects NEU1 function (PMID: 10767332, 11063730, 11279074). This missense change has been observed in individual(s) with clinical features of sialidosis (PMID: 9054950, 11063730; Invitae). This variant is present in population databases (rs104893977, gnomAD 0.004%). This sequence change replaces phenylalanine, which is neutral and non-polar, with tyrosine, which is neutral and polar, at codon 260 of the NEU1 protein (p.Phe260Tyr). For these reasons, this variant has been classified as Pathogenic.

OMIM
Classification: Pathogenic for SIALIDOSIS, TYPE II. Last evaluated: 1997-03-01. Review status: no assertion criteria provided. Collection method: literature only. Allele origin: germline. Not counted in ClinVar's aggregate classification.

Literature cited by the submitters: PubMed 10767332 (cited by Labcorp Genetics (formerly Invitae), Labcorp); PubMed 11063730 (cited by Labcorp Genetics (formerly Invitae), Labcorp); PubMed 11279074 (cited by Labcorp Genetics (formerly Invitae), Labcorp); PubMed 9054950 (cited by Labcorp Genetics (formerly Invitae), Labcorp and OMIM).